The following is an entry in ClinVar:

ClinVar aggregate classification (germline): Likely pathogenic (1 of 4 stars; one submission).

Conditions:
Glycogen storage disease. Also called: glycogen storage disorder; Disorder of glycogen metabolism. Identifiers: Orphanet 79201, MedGen C0017919, MONDO:0002412.

gnomAD v4.1: 4 of 1,613,922 alleles (0.00025%); highest among the groups gnomAD compares: South Asian, 0.0033%; no homozygotes.

Submission:

Genetics Laboratory, Great Ormond Street Hospital NHS Foundation Trust, North Thames Genomic Laboratory Hub
Classification: Likely pathogenic for Glycogen storage disease. Last evaluated: 2026-04-08. Review status: criteria provided, single submitter. Criteria: ACGS Best Practice Guidelines for Variant Classification in Rare Disease 2024 v1.2. Collection method: clinical testing. Allele origin: germline. Affected: yes.
Comment: PM2_moderate, PM3_supporting, PP4_strong

NM_001243177.4(ALDOA):c.356C>T (p.Thr119Ile)

Genes: ALDOA (aldolase, fructose-bisphosphate A; plus strand), LOC112694756 (uncharaterized LOC112694756; plus strand). Cytogenetic location: 16p11.2.
Variant type: single nucleotide variant.
Coding change: c.356C>T on transcript NM_001243177.4 (MANE Select); coding-DNA position 356, C replaced by T.
Protein change: p.Thr119Ile; replaces threonine 119 with isoleucine.
Molecular consequence: missense variant. On other transcripts: 3 prime UTR variant (3).
Genome position (GRCh38, 1-based): chr16:30,067,531, C>T. VCF-style: chr16-30067531-C-T. GRCh37 (hg19) VCF-style: chr16-30078852-C-T.
Other names: c.*703C>T (NM_001365304.2, NM_001365305.2, NM_001365307.2); c.194C>T, p.Thr65Ile (NM_001127617.2, NM_184041.5, NM_184043.2); short protein forms T119I, T65I.
Identifiers: ClinVar variation 4852596 (VCV004852596.1).